The following is an entry in ClinVar:

NC_000002.11:g.(?_233075026)_(233075125_?)dup

Gene: DIS3L2 (DIS3 like 3'-5' exoribonuclease 2; plus strand). Cytogenetic location: 2q37.1.
Variant type: Duplication.
Identifiers: ClinVar variation 1347265 (VCV001347265.4).

ClinVar aggregate classification (germline): Likely pathogenic (1 of 4 stars; one submission).

Conditions:
Perlman syndrome (PRLMNS). Identifiers: Orphanet 2849, MedGen C0796113, MONDO:0009965, OMIM 267000.

Submission:

Labcorp Genetics (formerly Invitae), Labcorp
Classification: Likely pathogenic for Perlman syndrome. Last evaluated: 2021-01-12. Review status: criteria provided, single submitter. Criteria: Invitae Variant Classification Sherloc (09022015). Collection method: clinical testing. Allele origin: germline.
Comment: In summary, the currently available evidence indicates that the variant is pathogenic, but additional data are needed to prove that conclusively. Therefore, this variant has been classified as Likely Pathogenic. This variant has not been reported in the literature in individuals with DIS3L2-related conditions. This variant results in a copy number gain of the genomic region encompassing exon(s) 10 of the DIS3L2 gene. While the exact position of this variant cannot be determined from the data, sub-genic copy number gains are generally in tandem (PMID: 25640679). This variant is predicted to be out-of-frame, and may result in an absent or disrupted protein product. Loss-of-function variants in DIS3L2 are known to be pathogenic (PMID: 22306653, 28328139).

Literature cited by the submitters: PubMed 25640679; PubMed 22306653; PubMed 28328139.